The following is an entry in ClinVar:

NM_001048174.2(MUTYH):c.482G>A (p.Gly161Glu)

Gene: MUTYH (mutY DNA glycosylase; minus strand). Cytogenetic location: 1p34.1.
Variant type: single nucleotide variant.
Coding change: c.482G>A on transcript NM_001048174.2 (MANE Select); coding-DNA position 482, G replaced by A.
Protein change: p.Gly161Glu; replaces glycine 161 with glutamic acid.
Molecular consequence: missense variant. On other transcripts: non-coding transcript variant (2).
Genome position (GRCh38, 1-based): chr1:45,332,773, C>T on the plus strand (G>A on the coding strand, the complement: MUTYH is on the minus strand). VCF-style: chr1-45332773-C-T. GRCh37 (hg19) VCF-style: chr1-45798445-C-T.
Other names: c.482G>A, p.Gly161Glu (NM_001048171.2, NM_001048173.2, NM_001293195.2 and 6 more transcripts); c.485G>A, p.Gly162Glu (NM_001048172.2, NM_001407086.1, NM_001407071.1 and 1 more transcripts); c.566G>A, p.Gly189Glu (NM_001128425.2); c.527G>A, p.Gly176Glu (NM_001293190.2); c.515G>A, p.Gly172Glu (NM_001293191.2, NM_001407069.1, NM_001407077.1); c.206G>A, p.Gly69Glu (NM_001293192.2, NM_001293196.2, NM_001407091.1); c.443G>A, p.Gly148Glu (NM_001407079.1); c.440G>A, p.Gly147Glu (NM_001407080.1); and 5 more; short protein forms G162E, G189E, G133E, G148E, G186E, G46E, G168E, G172E.
Identifiers: ClinVar variation 2202755 (VCV002202755.4), dbSNP rs754155145, ClinGen allele CA058243.

ClinVar aggregate classification (germline): Uncertain significance. Review status: criteria provided, multiple submitters, no conflicts (2 of 4 stars). 2 submissions from 2 submitters: Uncertain significance (2). Last evaluated 2025-09-10.

Conditions:
Hereditary cancer-predisposing syndrome. Also called: Neoplastic Syndromes, Hereditary; Tumor predisposition; Hereditary Cancer Syndrome; Hereditary neoplastic syndrome. Identifiers: Orphanet 140162, MedGen C0027672, MeSH D009386, MONDO:0015356.
Familial adenomatous polyposis 2. Also called: Adenomas, multiple colorectal; COLORECTAL ADENOMATOUS POLYPOSIS, AUTOSOMAL RECESSIVE; ADENOMAS, MULTIPLE COLORECTAL, AUTOSOMAL RECESSIVE; FAP type 2; MYH-associated polyposis; MUTYH-associated polyposis. Identifiers: Orphanet 220460, Orphanet 247798, MedGen C3272841, MONDO:0012041, OMIM 608456.

Allele frequency attached by ClinVar (database versions not stated): ExAC 0.00001.

Submissions (2):

Color Diagnostics, LLC DBA Color Health
Classification: Uncertain significance for Hereditary cancer-predisposing syndrome. Last evaluated: 2025-09-10. Review status: criteria provided, single submitter. Criteria: ACMG Guidelines, 2015. Collection method: clinical testing. Allele origin: germline.
Comment: This missense variant replaces glycine with glutamic acid at codon 189 of the MUTYH protein. Computational prediction suggests that this variant may have deleterious impact on protein structure and function. A complementation assay showed that this variant disrupted function (PMID: 25820570). This variant has been reported in individuals affected with colorectal adenomatous polyposis (described as 'c.524G>A (p.G175E)' based on a different transcriptPMID: 16616356). This variant has been identified in 1/251468 chromosomes in the general population by the Genome Aggregation Database (gnomAD). The available evidence is insufficient to determine the role of this variant in disease conclusively. Therefore, this variant is classified as a Variant of Uncertain Significance.

Labcorp Genetics (formerly Invitae), Labcorp
Classification: Uncertain significance for Familial adenomatous polyposis 2. Last evaluated: 2024-07-15. Review status: criteria provided, single submitter. Criteria: Invitae Variant Classification Sherloc (09022015). Collection method: clinical testing. Allele origin: germline.
Comment: This sequence change replaces glycine, which is neutral and non-polar, with glutamic acid, which is acidic and polar, at codon 189 of the MUTYH protein (p.Gly189Glu). This variant is present in population databases (rs754155145, gnomAD 0.006%). This missense change has been observed in individual(s) with personal and/or family history of polyposis (PMID: 16616356). This variant is also known as c.524G>A (p.G175E). ClinVar contains an entry for this variant (Variation ID: 2202755). An algorithm developed to predict the effect of missense changes on protein structure and function (PolyPhen-2) suggests that this variant is likely to be disruptive. Experimental studies have shown that this missense change affects MUTYH function (PMID: 25820570). In summary, the available evidence is currently insufficient to determine the role of this variant in disease. Therefore, it has been classified as a Variant of Uncertain Significance.

Literature cited by the submitters: PubMed 25820570 (cited by Color Diagnostics, LLC DBA Color Health and Labcorp Genetics (formerly Invitae), Labcorp); PubMed 16616356 (cited by Labcorp Genetics (formerly Invitae), Labcorp).